The following is an entry in ClinVar:

NM_001009944.3(PKD1):c.4845C>T (p.Asn1615=)

Gene: PKD1 (polycystin 1, transient receptor potential channel interacting; minus strand). Cytogenetic location: 16p13.3.
Variant type: single nucleotide variant.
Coding change: c.4845C>T on transcript NM_001009944.3 (MANE Select); coding-DNA position 4845, C replaced by T.
Protein change: p.Asn1615=; no amino-acid change (asparagine 1615 retained).
Molecular consequence: synonymous variant.
Genome position (GRCh38, 1-based): chr16:2,110,322, G>A on the plus strand (C>T on the coding strand, the complement: PKD1 is on the minus strand). VCF-style: chr16-2110322-G-A. GRCh37 (hg19) VCF-style: chr16-2160323-G-A.
Other names: c.4845C>T, p.Asn1615= (NM_000296.4).
Identifiers: ClinVar variation 256970 (VCV000256970.44), dbSNP rs141557400, ClinGen allele CA7832223.
Genomic context (GRCh38, chr16:2,110,322, plus strand): 5'-CAGCCCCTCTATGAGCTGCAGGACATAGACGAAGATGCTGTCCTGGGCGGAGCCCACCTC[G>A]TTCTCAGCCGTGACGATGATATTGAAGGTGCCCACGGAGCGGAAGGTGTAAGAGATGGTA-3'
Protein context (NP_001009944.3, residues 1605-1625): GTFNIIVTAE[Asn1615=]EVGSAQDSIF

ClinVar aggregate classification (germline): Benign/Likely benign. Review status: criteria provided, multiple submitters, no conflicts (2 of 4 stars). 12 submissions from 12 submitters: Benign (4); Likely benign (4). 4 of the submissions do not count toward it. Last evaluated 2026-07-01.

Conditions:
Polycystic kidney disease, adult type (PKD1). Also called: POLYCYSTIC KIDNEY DISEASE, ADULT, TYPE I; Polycystic Kidney, Autosomal Dominant; Polycystic Kidney Disease 1, Autosomal Dominant; Polycystic kidney disease 1; Polycystic kidney disease 1, severe; POLYCYSTIC KIDNEY DISEASE 1 WITH OR WITHOUT POLYCYSTIC LIVER DISEASE. Identifiers: MedGen C3149841, MONDO:0008263, OMIM 173900.
Polycystic kidney disease. Also called: Kidney, Polycystic; Polycystic kidney dysplasia. Identifiers: MedGen C0022680, MeSH D007690, MONDO:0020642, HP:0000113.

Allele frequency attached by ClinVar (database versions not stated): 1000 Genomes Project 30x 0.00031; 1000 Genomes Project 0.00040; ExAC 0.00276; gnomAD exomes 0.00310 and 0.00533; gnomAD 0.00346 and 0.00364; ESP Exome Variant Server 0.00354; TOPMed 0.00372.
gnomAD v4.1: 8,216 of 1,612,636 alleles (0.51%); highest among the groups gnomAD compares: Non-Finnish European, 0.64%; 22 homozygotes.

Submissions (12):

CeGaT Center for Human Genetics Tuebingen
Classification: Likely benign. Last evaluated: 2026-07-01. Review status: criteria provided, single submitter. Criteria: CeGaT Center For Human Genetics Tuebingen Variant Classification Criteria Version 2. Collection method: clinical testing. Allele origin: germline. Affected: yes. Observed: 11 variant alleles.
Comment: PKD1: BP4, BP7, BS2

Women's Health and Genetics/Laboratory Corporation of America, LabCorp
Classification: Benign. Last evaluated: 2025-04-25. Review status: criteria provided, single submitter. Criteria: LabCorp Variant Classification Summary - May 2015. Collection method: clinical testing. Allele origin: germline.

Blueprint Genetics
Classification: Likely benign. Last evaluated: 2024-11-27. Review status: criteria provided, single submitter. Criteria: ACMG Guidelines, 2015. Collection method: clinical testing. Allele origin: germline.

Fulgent Genetics
Classification: Likely benign for Polycystic kidney disease, adult type. Last evaluated: 2021-11-08. Review status: criteria provided, single submitter. Criteria: ACMG Guidelines, 2015. Collection method: clinical testing. Allele origin: unknown.

GeneDx
Classification: Likely benign. Last evaluated: 2021-02-02. Review status: criteria provided, single submitter. Criteria: GeneDx Variant Classification Process June 2021. Collection method: clinical testing. Allele origin: germline. Affected: yes.
Comment: This variant is associated with the following publications: (PMID: 22383692)

ARUP Laboratories, Molecular Genetics and Genomics, ARUP Laboratories
Classification: Benign for Polycystic kidney disease, adult type. Last evaluated: 2018-12-24. Review status: criteria provided, single submitter. Criteria: ARUP Molecular Germline Variant Investigation Process. Collection method: clinical testing. Allele origin: germline.

Athena Diagnostics
Classification: Benign. Last evaluated: 2018-07-17. Review status: criteria provided, single submitter. Criteria: Athena Diagnostics Criteria. Collection method: clinical testing. Allele origin: germline.

PreventionGenetics, part of Exact Sciences
Classification: Benign. Review status: criteria provided, single submitter. Criteria: ACMG Guidelines, 2015. Collection method: clinical testing. Allele origin: germline.

Clinical Genetics DNA and cytogenetics Diagnostics Lab, Erasmus MC, Erasmus Medical Center
Classification: Likely benign. Review status: no assertion criteria provided. Collection method: clinical testing. Allele origin: germline. Affected: yes. Study: VKGL Data-share Consensus. Not counted in ClinVar's aggregate classification.

Department of Pathology and Laboratory Medicine, Sinai Health System
Classification: Benign for Polycystic Kidney disease. Review status: no assertion criteria provided. Collection method: clinical testing. Allele origin: unknown. Affected: yes. Study: The Canadian Open Genetics Repository (COGR). Not counted in ClinVar's aggregate classification.
Comment: The PKD1 p.Asn1615= variant was identified in 1 of 460 proband chromosomes (frequency: 0.002) from individuals or families with ADPKD (Rossetti_2012_22383692). The variant was also identified in dbSNP (ID: rs141557400) â€šÃ„ÃºWith Benign alleleâ€šÃ„Ã¹, ClinVar (benign by Prevention Genetics), and ADPKD Mutation Database (classified likely neutral), and was not identified in GeneInsight-COGR, LOVD 3.0, and PKD1-LOVD. The variant was identified in control databases in 854 (1 homozygous) of 275992 chromosomes at a frequency of 0.003 increasing the likelihood this could be a low frequency benign variant (Genome Aggregation Database Feb 27, 2017). Breakdown of the observations by population include African in 18 of 23922 chromosomes (freq: 0.0008), Other in 17 of 6442 chromosomes (freq: 0.003), Latino in 76 of 34408 chromosomes (freq: 0.002), European Non-Finnish in 650 (1 homozygous) of 125708 chromosomes (freq: 0.005), Ashkenazi Jewish in 43 of 10106 chromosomes (freq: 0.004), European Finnish in 14 of 25786 chromosomes (freq: 0.0005), and South Asian in 36 of 30776 chromosomes (freq: 0.001). while not observed in the East Asian population. In addition we cannot be certain that data from control databases is specific to PKD1 and not from one of the six PKD1 pseudogenes. The p.Asn1615= variant is not expected to have clinical significance because it does not result in a change of amino acid and is not located in a known consensus splice site. In summary, based on the above information this variant meets our laboratory criteria to be classified as benign.

Genome Diagnostics Laboratory, University Medical Center Utrecht
Classification: Benign. Review status: no assertion criteria provided. Collection method: clinical testing. Allele origin: germline. Affected: yes. Study: VKGL Data-share Consensus. Not counted in ClinVar's aggregate classification.

Laboratory of Diagnostic Genome Analysis, Leiden University Medical Center (LUMC)
Classification: Likely benign. Review status: no assertion criteria provided. Collection method: clinical testing. Allele origin: germline. Affected: yes. Study: VKGL Data-share Consensus. Not counted in ClinVar's aggregate classification.